The following is an entry in ClinVar:

ClinVar aggregate classification (germline): Benign/Likely benign. Review status: criteria provided, single submitter (1 of 4 stars). 2 submissions from 1 submitter: Benign (1); Likely benign (1). Last evaluated 2018-01-12.

Conditions:
Adult-onset proximal spinal muscular atrophy, autosomal dominant. Also called: FINKEL LATE-ADULT TYPE SMA; Spinal muscular atrophy, late-onset, finkel type. Identifiers: Orphanet 209335, MedGen C1854058, MONDO:0008453, OMIM 182980.
Amyotrophic lateral sclerosis type 8 (ALS8). Identifiers: Orphanet 803, MedGen C1837728, MONDO:0012077, OMIM 608627.

Allele frequency attached by ClinVar (database versions not stated): TOPMed 0.00132; 1000 Genomes Project 30x 0.00187; 1000 Genomes Project 0.00200.
gnomAD v4.1: 278 of 454,072 alleles (0.061%); highest among the groups gnomAD compares: African/African-American, 0.48%; no homozygotes.

Submissions (2):

Illumina Laboratory Services, Illumina
Classification: Benign for Amyotrophic lateral sclerosis type 8. Last evaluated: 2018-01-12. Review status: criteria provided, single submitter. Criteria: ICSL Variant Classification Criteria 13 December 2019. Collection method: clinical testing. Allele origin: germline.
Comment: This variant was observed in the ICSL laboratory as part of a predisposition screen in an ostensibly healthy population. It had not been previously curated by ICSL or reported in the Human Gene Mutation Database (HGMD: prior to June 1st, 2018), and was therefore a candidate for classification through an automated scoring system. Utilizing variant allele frequency, disease prevalence and penetrance estimates, and inheritance mode, an automated score was calculated to assess if this variant is too frequent to cause the disease. Based on the score and internal cut-off values, a variant classified as benign is not then subjected to further curation. The score for this variant resulted in a classification of benign for this disease.

Illumina Laboratory Services, Illumina
Classification: Likely benign for Adult-onset proximal spinal muscular atrophy, autosomal dominant. Last evaluated: 2018-01-12. Review status: criteria provided, single submitter. Criteria: ICSL Variant Classification Criteria 13 December 2019. Collection method: clinical testing. Allele origin: germline.
Comment: This variant was observed in the ICSL laboratory as part of a predisposition screen in an ostensibly healthy population. It had not been previously curated by ICSL or reported in the Human Gene Mutation Database (HGMD: prior to June 1st, 2018), and was therefore a candidate for classification through an automated scoring system. Utilizing variant allele frequency, disease prevalence and penetrance estimates, and inheritance mode, an automated score was calculated to assess if this variant is too frequent to cause the disease. Based on the score and internal cut-off values, a variant classified as likely benign is not then subjected to further curation. The score for this variant resulted in a classification of likely benign for this disease.

NM_004738.5(VAPB):c.*5612C>G

Gene: VAPB (VAMP associated protein B and C; plus strand). Cytogenetic location: 20q13.32.
Variant type: single nucleotide variant.
Coding change: c.*5612C>G on transcript NM_004738.5 (MANE Select); 5612 bases downstream of the stop codon, C replaced by G.
Molecular consequence: 3 prime UTR variant. On other transcripts: non-coding transcript variant (1).
Genome position (GRCh38, 1-based): chr20:58,449,847, C>G. VCF-style: chr20-58449847-C-G. GRCh37 (hg19) VCF-style: chr20-57024903-C-G.
Other names: c.*5682C>G (NM_001195677.2).
Identifiers: ClinVar variation 898309 (VCV000898309.5), dbSNP rs140602757, ClinGen allele CA316283140.